The following is an entry in ClinVar:

ClinVar aggregate classification (germline): Uncertain significance (1 of 4 stars; one submission).

gnomAD v4.1: 1 of 1,536,188 alleles (0.000065%); highest among the groups gnomAD compares: Non-Finnish European, 0.000087%; no homozygotes.

Submission:

CeGaT Center for Human Genetics Tuebingen
Classification: Uncertain significance. Last evaluated: 2024-08-01. Review status: criteria provided, single submitter. Criteria: CeGaT Center For Human Genetics Tuebingen Variant Classification Criteria Version 2. Collection method: clinical testing. Allele origin: germline. Affected: yes. Observed: 1 variant allele.
Comment: PDZD7: PM2, BP4

NM_001195263.2(PDZD7):c.2473C>A (p.Pro825Thr)

Gene: PDZD7 (PDZ domain containing 7; minus strand). Cytogenetic location: 10q24.31.
Variant type: single nucleotide variant.
Coding change: c.2473C>A on transcript NM_001195263.2 (MANE Select); coding-DNA position 2473, C replaced by A.
Protein change: p.Pro825Thr; replaces proline 825 with threonine.
Molecular consequence: missense variant.
Genome position (GRCh38, 1-based): chr10:101,010,416, G>T on the plus strand (C>A on the coding strand, the complement: PDZD7 is on the minus strand). VCF-style: chr10-101010416-G-T. GRCh37 (hg19) VCF-style: chr10-102770173-G-T.
Other names: short protein forms P825T.
Identifiers: ClinVar variation 3341908 (VCV003341908.16).